The following is an entry in ClinVar:

ClinVar aggregate classification (germline): Uncertain significance (1 of 4 stars; one submission).

Conditions:
CTNND1-related disorder. Also called: CTNND1-related condition.

Submission:

PreventionGenetics, part of Exact Sciences
Classification: Uncertain significance for CTNND1-related condition. Last evaluated: 2026-06-14. Review status: criteria provided, single submitter. Criteria: ACMG Guidelines, 2015. Collection method: clinical testing. Allele origin: germline.
Comment: The CTNND1 c.773G>A variant is predicted to result in the amino acid substitution p.Gly258Glu. To our knowledge, this variant has not been reported in the literature. This variant is reported in 0.0029% of alleles in individuals of Latino descent in gnomAD. At this time, the clinical significance of this variant is uncertain due to the absence of conclusive functional and genetic evidence.

NM_001085458.2(CTNND1):c.773G>A (p.Gly258Glu)

Genes: CTNND1 (catenin delta 1; plus strand), TMX2-CTNND1 (TMX2-CTNND1 readthrough (NMD candidate); plus strand). Cytogenetic location: 11q12.1.
Variant type: single nucleotide variant.
Coding change: c.773G>A on transcript NM_001085458.2 (MANE Select); coding-DNA position 773, G replaced by A.
Protein change: p.Gly258Glu; replaces glycine 258 with glutamic acid.
Molecular consequence: missense variant. On other transcripts: non-coding transcript variant (1).
Genome position (GRCh38, 1-based): chr11:57,796,809, G>A. VCF-style: chr11-57796809-G-A. GRCh37 (hg19) VCF-style: chr11-57564281-G-A.
Other names: c.773G>A, p.Gly258Glu (NM_001085459.2, NM_001085460.2, NM_001085461.2 and 3 more transcripts); c.470G>A, p.Gly157Glu (NM_001085463.2, NM_001085464.2, NM_001085465.2 and 5 more transcripts); c.611G>A, p.Gly204Glu (NM_001206883.2, NM_001206884.2, NM_001206886.2 and 4 more transcripts); short protein forms G157E, G258E, G204E.
Identifiers: ClinVar variation 4991165 (VCV004991165.1).